The following is an entry in ClinVar:

NM_001563.4(IMPG1):c.1940A>G (p.Tyr647Cys)

Gene: IMPG1 (interphotoreceptor matrix proteoglycan 1; minus strand). Cytogenetic location: 6q14.1.
Variant type: single nucleotide variant.
Coding change: c.1940A>G on transcript NM_001563.4 (MANE Select); coding-DNA position 1940, A replaced by G.
Protein change: p.Tyr647Cys; replaces tyrosine 647 with cysteine.
Molecular consequence: missense variant.
Genome position (GRCh38, 1-based): chr6:75,947,418, T>C on the plus strand (A>G on the coding strand, the complement: IMPG1 is on the minus strand). VCF-style: chr6-75947418-T-C. GRCh37 (hg19) VCF-style: chr6-76657135-T-C.
Other names: c.1706A>G, p.Tyr569Cys (NM_001282368.2); c.1940A>G (NM_001563.3); short protein forms Y647C, Y569C.
Identifiers: ClinVar variation 1496691 (VCV001496691.9), dbSNP rs202200012, ClinGen allele CA364775369.

ClinVar aggregate classification (germline): Uncertain significance. Review status: criteria provided, single submitter (1 of 4 stars). 2 submissions from 2 submitters: Uncertain significance (1). 1 of the submissions does not count toward it. Last evaluated 2022-02-05.

Conditions:
IMPG1-related disorder. Also called: IMPG1-related condition.

gnomAD v4.1: 2 of 1,613,964 alleles (0.00012%); no homozygotes.

Submissions (2):

Labcorp Genetics (formerly Invitae), Labcorp
Classification: Uncertain significance. Last evaluated: 2022-02-05. Review status: criteria provided, single submitter. Criteria: Invitae Variant Classification Sherloc (09022015). Collection method: clinical testing. Allele origin: germline.
Comment: This variant is not present in population databases (gnomAD no frequency). This sequence change replaces tyrosine, which is neutral and polar, with cysteine, which is neutral and slightly polar, at codon 647 of the IMPG1 protein (p.Tyr647Cys). This missense change has been observed in individual(s) with clinical features of macular dystrophy (Invitae). In summary, the available evidence is currently insufficient to determine the role of this variant in disease. Therefore, it has been classified as a Variant of Uncertain Significance. Algorithms developed to predict the effect of sequence changes on RNA splicing suggest that this variant may create or strengthen a splice site. Algorithms developed to predict the effect of missense changes on protein structure and function (SIFT, PolyPhen-2, Align-GVGD) all suggest that this variant is likely to be disruptive.

PreventionGenetics, part of Exact Sciences
Classification: Uncertain significance for IMPG1-related condition. Last evaluated: 2024-07-29. Review status: no assertion criteria provided. Collection method: clinical testing. Allele origin: germline. Not counted in ClinVar's aggregate classification.
Comment: The IMPG1 c.1940A>G variant is predicted to result in the amino acid substitution p.Tyr647Cys. To our knowledge, this variant has not been reported in the literature or in the large population database gnomAD, indicating this variant is rare. At this time, the clinical significance of this variant is uncertain due to the absence of conclusive functional and genetic evidence.